The following is an entry in ClinVar:

NM_000179.3(MSH6):c.831A>C (p.Glu277Asp)

Gene: MSH6 (mutS homolog 6; plus strand). Cytogenetic location: 2p16.3.
Variant type: single nucleotide variant.
Coding change: c.831A>C on transcript NM_000179.3 (MANE Select); coding-DNA position 831, A replaced by C.
Protein change: p.Glu277Asp; replaces glutamic acid 277 with aspartic acid.
Molecular consequence: missense variant. On other transcripts: 5 prime UTR variant (2).
Genome position (GRCh38, 1-based): chr2:47,798,814, A>C. VCF-style: chr2-47798814-A-C. GRCh37 (hg19) VCF-style: chr2-48025953-A-C.
Other names: p.E277D:GAA>GAC; c.441A>C, p.Glu147Asp (NM_001281492.2); c.-76A>C (NM_001281493.2, NM_001281494.2); short protein forms E277D, E147D.
Identifiers: ClinVar variation 182612 (VCV000182612.43), dbSNP rs374486449, ClinGen allele CA016522.
Genomic context (GRCh38, chr2:47,798,814, plus strand): 5'-CATTGGTGGCTCTGATGTGGAATTTAAGCCAGACACTAAGGAGGAAGGAAGCAGTGATGA[A>C]ATAAGCAGTGGAGTGGGGGATAGTGAGAGTGAAGGCCTGAACAGCCCTGTCAAAGTTGCT-3'
Protein context (NP_000170.1, residues 267-287): PDTKEEGSSD[Glu277Asp]ISSGVGDSES

ClinVar aggregate classification (germline): Conflicting classifications of pathogenicity. Review status: criteria provided, conflicting classifications (1 of 4 stars). 16 submissions from 16 submitters: Uncertain significance (13); Benign (1); Likely benign (1). 1 of the submissions does not count toward it. Last evaluated 2025-12-22.

Conditions:
MSH6-related disorder. Also called: MSH6-related condition; MSH6-Related disorders.
Hereditary nonpolyposis colorectal neoplasms. Identifiers: MedGen C0009405, MeSH D003123.
Endometrial carcinoma. Also called: Endometrial carcinoma, somatic. Identifiers: MedGen C0476089, MONDO:0002447, OMIM 608089, HP:0012114.
Lynch syndrome 5 (LYNCH5). Also called: Colorectal cancer, hereditary nonpolyposis, type 5; Hereditary non-polyposis colorectal cancer, type 5. Identifiers: Orphanet 144, MedGen C1833477, MONDO:0013710, OMIM 614350. Disease mechanism: loss of function.
Mismatch repair cancer syndrome 3. Identifiers: MedGen C5436807, MONDO:0030841, OMIM 619097.
Hereditary cancer-predisposing syndrome. Also called: Tumor predisposition; Hereditary Cancer Syndrome; Hereditary neoplastic syndrome; Neoplastic Syndromes, Hereditary. Identifiers: Orphanet 140162, MedGen C0027672, MeSH D009386, MONDO:0015356.
Lynch syndrome. Identifiers: Orphanet 144, MedGen C4552100, MONDO:0005835. Disease mechanism: loss of function.

Allele frequency attached by ClinVar (database versions not stated): gnomAD exomes 0.00002; ExAC 0.00003; gnomAD 0.00006; ESP Exome Variant Server 0.00008; TOPMed 0.00010.
gnomAD v4.1: 18 of 1,614,172 alleles (0.0011%); highest among the groups gnomAD compares: African/African-American, 0.021%; no homozygotes.

Submissions (16):

Labcorp Genetics (formerly Invitae), Labcorp
Classification: Benign for Hereditary nonpolyposis colorectal neoplasms. Last evaluated: 2025-12-22. Review status: criteria provided, single submitter. Criteria: Invitae Variant Classification Sherloc (09022015). Collection method: clinical testing. Allele origin: germline.

Ambry Genetics
Classification: Uncertain significance for Hereditary cancer-predisposing syndrome. Last evaluated: 2025-09-01. Review status: criteria provided, single submitter. Criteria: Ambry Variant Classification Scheme 2023. Collection method: clinical testing. Allele origin: germline.

Institute for Biomarker Research, Medical Diagnostic Laboratories, L.L.C.
Classification: Uncertain significance for Hereditary cancer-predisposing syndrome. Last evaluated: 2025-04-24. Review status: criteria provided, single submitter. Criteria: ACMG Guidelines, 2015. Collection method: clinical testing. Allele origin: germline.
Comment: The missense variant NM_000179.3(MSH6):c.831A>C (p.Glu277Asp) has not been reported previously as a pathogenic variant, to our knowledge. There is a small physicochemical difference between glutamic acid and aspartic acid, which is not likely to impact secondary protein structure as these residues share similar properties. The p.Glu277Asp variant is not predicted to introduce a novel splice site by any splice site algorithm. . The nucleotide c.831 in MSH6 is not conserved according to a GERP++ and PhyloP analysis of 100 vertebrates. For these reasons, this variant has been classified as Uncertain Significance

Quest Diagnostics Nichols Institute San Juan Capistrano
Classification: Uncertain significance. Last evaluated: 2024-09-21. Review status: criteria provided, single submitter. Criteria: Quest Diagnostics criteria. Collection method: clinical testing. Allele origin: unknown.
Comment: The MSH6 c.831A>C (p.Glu277Asp) variant has been reported in the published literature in individuals affected with breast cancer (PMID: 25186627 (2015), 34326862 (2021)), as well as in a cohort of individuals with features of Cowden (CS) or Bannayan-Riley-Ruvalcaba (BRRS) syndrome (PMID: 29684080 (2018)). The frequency of this variant in the general population, 0.0002 (5/24952 chromosomes (Genome Aggregation Database)), is uninformative in the assessment of its pathogenicity. Analysis of this variant using bioinformatics tools for the prediction of the effect of amino acid changes on protein structure and function yielded predictions that this variant is benign. Based on the available information, we are unable to determine the clinical significance of this variant.

All of Us Research Program, National Institutes of Health
Classification: Uncertain significance for Lynch syndrome. Last evaluated: 2024-07-29. Review status: criteria provided, single submitter. Criteria: ACMG Guidelines, 2015. Collection method: clinical testing. Allele origin: germline. Inheritance: Autosomal dominant inheritance. Observed: 6 variant alleles, 6 heterozygotes.
Comment: This missense variant replaces glutamic acid with aspartic acid at codon 277 of the MSH6 protein. Computational prediction suggests that this variant may not impact protein structure and function (internally defined REVEL score threshold <= 0.5, PMID: 27666373). Splice site prediction tools suggest that this variant may not impact RNA splicing. To our knowledge, functional studies have not been performed for this variant. This variant has been reported in 1 individual affected with breast cancer (PMID:25186627). This variant has been identified in 6/282520 chromosomes in the general population by the Genome Aggregation Database (gnomAD). The available evidence is insufficient to determine the role of this variant in disease conclusively. Therefore, this variant is classified as a Variant of Uncertain Significance.

This study involves interpretation of variants in research participants for the purpose of population health screening. Participant phenotype was not available at the time of variant classification. Additional details can be found in publication PMID: 35346344, PMCID: PMC8962531

GeneDx
Classification: Uncertain significance. Last evaluated: 2024-07-29. Review status: criteria provided, single submitter. Criteria: GeneDx Variant Classification Process June 2021. Collection method: clinical testing. Allele origin: germline. Affected: yes.
Comment: In silico analysis indicates that this missense variant does not alter protein structure/function; Observed in individuals with breast cancer (PMID: 25186627, 29684080, 34326862); This variant is associated with the following publications: (PMID: 23621914, 29684080, 21437237, 25186627, 34326862)

Color Diagnostics, LLC DBA Color Health
Classification: Uncertain significance for Hereditary cancer-predisposing syndrome. Last evaluated: 2024-06-25. Review status: criteria provided, single submitter. Criteria: ACMG Guidelines, 2015. Collection method: clinical testing. Allele origin: germline.
Comment: This missense variant replaces glutamic acid with aspartic acid at codon 277 of the MSH6 protein. Computational prediction suggests that this variant may not impact protein structure and function (internally defined REVEL score threshold <= 0.5, PMID: 27666373). To our knowledge, functional studies have not been reported for this variant. This variant has been reported in individuals affected with breast cancer (PMID: 25186627, 29684080). This variant has been identified in 6/282520 chromosomes in the general population by the Genome Aggregation Database (gnomAD). The available evidence is insufficient to determine the role of this variant in disease conclusively. Therefore, this variant is classified as a Variant of Uncertain Significance.

Department of Pathology and Laboratory Medicine, Sinai Health System
Classification: Likely benign for Lynch syndrome 5. Last evaluated: 2023-10-24. Review status: criteria provided, single submitter. Criteria: ACMG Guidelines, 2015. Collection method: clinical testing. Allele origin: germline. Affected: yes.

Baylor Genetics
Classification: Uncertain significance for Endometrial carcinoma. Last evaluated: 2023-10-19. Review status: criteria provided, single submitter. Criteria: ACMG Guidelines, 2015. Collection method: clinical testing. Allele origin: unknown.

Revvity Omics, Revvity
Classification: Uncertain significance. Last evaluated: 2023-09-27. Review status: criteria provided, single submitter. Criteria: ACMG Guidelines, 2015. Collection method: clinical testing. Allele origin: germline.

PreventionGenetics, part of Exact Sciences
Classification: Uncertain significance for MSH6-related condition. Last evaluated: 2023-08-23. Review status: criteria provided, single submitter. Criteria: ACMG Guidelines, 2015. Collection method: clinical testing. Allele origin: germline.
Comment: The MSH6 c.831A>C variant is predicted to result in the amino acid substitution p.Glu277Asp. This variant has been reported in an individual with breast cancer (supporting info 002, Tung et al. 2015. PubMed ID: 25186627). It has also been reported in a breast cancer specimen from The Cancer Genome Atlas (Table S9, Yehia et al. 2018. PubMed ID: 29684080). This variant is reported in 0.020% of alleles in individuals of African descent in gnomAD and is interpreted as uncertain by the vast majority of submitters in ClinVar. At this time, the clinical significance of this variant is uncertain due to the absence of conclusive functional and genetic evidence.

Myriad Genetics, Inc.
Classification: Uncertain significance for Lynch syndrome 5. Last evaluated: 2023-03-29. Review status: criteria provided, single submitter. Criteria: Myriad Autosomal Dominant, Autosomal Recessive and X-Linked Classification Criteria (2023). Collection method: clinical testing. Allele origin: unknown.
Comment: This variant is classified as a variant of uncertain significance as there is insufficient evidence to determine its impact on protein function and/or cancer risk.

Fulgent Genetics
Classification: Uncertain significance for Endometrial carcinoma; Lynch syndrome 5; Mismatch repair cancer syndrome 3. Last evaluated: 2022-03-31. Review status: criteria provided, single submitter. Criteria: ACMG Guidelines, 2015. Collection method: clinical testing. Allele origin: unknown.

Sema4
Classification: Uncertain significance for Hereditary cancer-predisposing syndrome. Last evaluated: 2022-03-11. Review status: criteria provided, single submitter. Criteria: Sema4 Curation Guidelines. Collection method: curation. Allele origin: germline.
Comment: The MSH6 c.831A>C (p.E277D) variant has been reported in heterozygosity in at least two individuals with breast cancer (PMID: 25186627, 29684080). This variant was observed in 5/24952 chromosomes in the African/African American populatio according to the Genome Aggregation Database (PMID: 32461654). The variant has been reported in ClinVar (Variation ID: 182612). Functional studies have not been performed, and in silico predictions of the variant's effect on protein function are inconclusive. The evidence is insufficient to meet ACMG/AMP criteria for classifying the variant as benign or pathogenic. Thus, the clinical significance of this variant is currently uncertain.

Women's Health and Genetics/Laboratory Corporation of America, LabCorp
Classification: Uncertain significance. Last evaluated: 2018-04-30. Review status: criteria provided, single submitter. Criteria: LabCorp Variant Classification Summary - May 2015. Collection method: clinical testing. Allele origin: germline.
Comment: Variant summary: MSH6 c.831A>C (p.Glu277Asp) results in a conservative amino acid change in the encoded protein sequence. Four of five in-silico tools predict a benign effect of the variant and a study combining data from several in silico tools and structural analyses predicts the variant to have no effect on MSH6 function (Terui_2013). The variant allele was found at a frequency of 2.5e-05 (7/276832 control chromosomes) in all ethnicities, but was found predominantly in the African subpopulation (6/24016; frequency of 0.00025). This frequency is approximately 2 fold higher than expected for a pathogenic variant in MSH6 causing Lynch Syndrome (0.00025vs 0.00014), suggesting the variant may be a benign polymorphism in the African subpopulation. To our knowledge, no occurrence of c.831A>C in individuals affected with Lynch Syndrome and no experimental evidence demonstrating its impact on protein function have been reported. Four clinical diagnostic laboratories have submitted clinical-significance assessments for this variant to ClinVar after 2014 and all laboratories classified the variant as uncertain significance. Based on the evidence outlined above, the variant was classified as VUS-possibly benign until addtional information becomes available.

Counsyl
Classification: Uncertain significance for Lynch syndrome 5. Last evaluated: 2016-04-14. Review status: no assertion criteria provided. Collection method: clinical testing. Allele origin: unknown. Not counted in ClinVar's aggregate classification.

Literature cited by the submitters: PubMed 25186627 (cited by 6 submitters); PubMed 23621914 (cited by Quest Diagnostics Nichols Institute San Juan Capistrano and Women's Health and Genetics/Laboratory Corporation of America, LabCorp); PubMed 34326862 (cited by Quest Diagnostics Nichols Institute San Juan Capistrano); PubMed 29684080 (cited by 3 submitters).